The following is an entry in ClinVar:

NM_000020.3(ACVRL1):c.917C>T (p.Ala306Val)

Gene: ACVRL1 (activin A receptor like type 1; plus strand). Cytogenetic location: 12q13.13.
Variant type: single nucleotide variant.
Coding change: c.917C>T on transcript NM_000020.3 (MANE Select); coding-DNA position 917, C replaced by T.
Protein change: p.Ala306Val; replaces alanine 306 with valine.
Molecular consequence: missense variant.
Genome position (GRCh38, 1-based): chr12:51,915,369, C>T. VCF-style: chr12-51915369-C-T. GRCh37 (hg19) VCF-style: chr12-52309153-C-T.
Other names: NM_000020.3(ACVRL1):c.917C>T; p.Ala306Val; c.917C>T, p.Ala306Val (NM_001077401.2); short protein forms A306V.
Identifiers: ClinVar variation 811065 (VCV000811065.21), dbSNP rs150038846, ClinGen allele CA6573017.
Genomic context (GRCh38, chr12:51,915,369, plus strand): 5'-ACGACTTTCTGCAGAGACAGACGCTGGAGCCCCATCTGGCTCTGAGGCTAGCTGTGTCCG[C>T]GGCATGCGGCCTGGCGCACCTGCACGTGGAGATCTTCGGTACACAGGGCAAACCAGCCAT-3'
Protein context (NP_000011.2, residues 296-316): PHLALRLAVS[Ala306Val]ACGLAHLHVE

ClinVar aggregate classification (germline): Uncertain significance. Review status: reviewed by expert panel (3 of 4 stars). 7 submissions from 7 submitters: Uncertain significance (1). 6 of the submissions do not count toward it. Last evaluated 2024-03-15.

Conditions:
Cardiovascular phenotype. Identifiers: MedGen CN230736.
Telangiectasia, hereditary hemorrhagic, type 2 (HHT2). Also called: Telangiectasia, hereditary hemorrhagic, type II; ACVRL1-Related Hereditary Hemorrhagic Telangiectasia. Identifiers: Orphanet 774, MedGen C1838163, MONDO:0010880, OMIM 600376. Disease mechanism: loss of function.

Allele frequency attached by ClinVar (database versions not stated): gnomAD exomes 0.00008; TOPMed 0.00008; gnomAD 0.00009; ESP Exome Variant Server 0.00015; ExAC 0.00016.

Submissions (7):

ClinGen Hereditary Hemorrhagic Telangiectasia Variant Curation Expert Panel, ClinGen
Classification: Uncertain significance for Telangiectasia, hereditary hemorrhagic, type 2. Last evaluated: 2024-03-15. Review status: reviewed by expert panel. Criteria: ClinGen HHT ACMG Specifications ACVRL1 V1.1.0. Collection method: curation. Allele origin: germline. Inheritance: Autosomal dominant inheritance.
Comment: The NM_000020.3: c.917C>T variant in ACVRL1 is a missense variant predicted to cause substitution of alanine by valine at amino acid 306 (p.Ala306Val). The highest population minor allele frequency in gnomAD v2.1.1 is 0.0001086 (14/128884 alleles) in the European (non-Finnish) population. The computational predictor REVEL gives a score of 0.365, which is neither above nor below the thresholds predicting a damaging or benign impact on ACVRL1 function. In summary, this variant meets the criteria to be classified as a variant of uncertain significance for autosomal dominant hereditary hemorrhagic telangiectasia based on the ACMG/AMP criteria applied, as specified by the ClinGen Hereditary Hemorrhagic Telangiectasia Variant Curation Expert Panel: None (specification version 1.0.0; 1/4/2024).

Fulgent Genetics
Classification: Uncertain significance for Telangiectasia, hereditary hemorrhagic, type 2. Last evaluated: 2024-01-14. Review status: criteria provided, single submitter. Criteria: ACMG Guidelines, 2015. Collection method: clinical testing. Allele origin: germline. Not counted in ClinVar's aggregate classification.

Ambry Genetics
Classification: Benign for Cardiovascular phenotype. Last evaluated: 2023-05-02. Review status: criteria provided, single submitter. Criteria: Ambry Variant Classification Scheme 2023. Collection method: clinical testing. Allele origin: germline. Not counted in ClinVar's aggregate classification.

GeneDx
Classification: Uncertain significance. Last evaluated: 2022-05-20. Review status: criteria provided, single submitter. Criteria: GeneDx Variant Classification Process June 2021. Collection method: clinical testing. Allele origin: germline. Affected: yes. Not counted in ClinVar's aggregate classification.
Comment: In silico analysis supports that this missense variant does not alter protein structure/function; Has not been previously published as pathogenic or benign to our knowledge

Labcorp Genetics (formerly Invitae), Labcorp
Classification: Uncertain significance for Telangiectasia, hereditary hemorrhagic, type 2. Last evaluated: 2022-03-02. Review status: criteria provided, single submitter. Criteria: Invitae Variant Classification Sherloc (09022015). Collection method: clinical testing. Allele origin: germline. Not counted in ClinVar's aggregate classification.
Comment: This sequence change replaces alanine, which is neutral and non-polar, with valine, which is neutral and non-polar, at codon 306 of the ACVRL1 protein (p.Ala306Val). This variant is present in population databases (rs150038846, gnomAD 0.03%). This variant has not been reported in the literature in individuals affected with ACVRL1-related conditions. ClinVar contains an entry for this variant (Variation ID: 811065). Algorithms developed to predict the effect of missense changes on protein structure and function (SIFT, PolyPhen-2, Align-GVGD) all suggest that this variant is likely to be tolerated. In summary, the available evidence is currently insufficient to determine the role of this variant in disease. Therefore, it has been classified as a Variant of Uncertain Significance.

ARUP Laboratories, Molecular Genetics and Genomics, ARUP Laboratories
Classification: Uncertain significance for Telangiectasia, hereditary hemorrhagic, type 2. Last evaluated: 2019-03-24. Review status: criteria provided, single submitter. Criteria: ARUP Molecular Germline Variant Investigation Process. Collection method: clinical testing. Allele origin: germline. Not counted in ClinVar's aggregate classification.
Comment: The ACVRL1 c.917C>T; p.Ala306Val variant (rs150038846), to our knowledge, is not reported in the medical literature or gene-specific databases. This variant is found in the general population with an overall allele frequency of 0.01% (25/282490 alleles) in the Genome Aggregation Database. Other amino acid substitutions at this codon (p.Ala306Glu, p.Ala306Pro) have been reported in individuals with hereditary haemorrhagic telangiectasia (HHT) (Lesca 2004, Torring 2014), and p.Ala306Pro exhibits altered localization and defective activity (Alaa El Din 2015), although it is uncertain if both other variants at this position are disease-causing. The alanine at codon 306 is moderately conserved, but computational analyses (SIFT, PolyPhen-2) predict that the p.Ala306Val variant is tolerated. Although the allele frequency of ACVRL1 p.Ala306Val is high for the known prevalence of HHT, due to limited clinical information and the reports of other amino acid substitutions at the same residue, the clinical significance of this variant is uncertain at this time. References: Alaa El Din F et al. Functional and splicing defect analysis of 23 ACVRL1 mutations in a cohort of patients affected by Hereditary Hemorrhagic Telangiectasia. PLoS One. 2015 Jul 15;10(7):e0132111. Lesca G et al. Molecular screening of ALK1/ACVRL1 and ENG genes in hereditary hemorrhagic telangiectasia in France. Hum Mutat. 2004 Apr;23(4):289-99. Torring PM et al. National mutation study among Danish patients with hereditary haemorrhagic telangiectasia. Clin Genet. 2014 Aug;86(2):123-33.

Illumina Laboratory Services, Illumina
Classification: Uncertain significance for Telangiectasia, hereditary hemorrhagic, type 2. Last evaluated: 2017-04-27. Review status: criteria provided, single submitter. Criteria: ICSL Variant Classification Criteria 13 December 2019. Collection method: clinical testing. Allele origin: germline. Not counted in ClinVar's aggregate classification.
Comment: This variant was observed as part of a predisposition screen in an ostensibly healthy population. A literature search was performed for the gene, cDNA change, and amino acid change (where applicable). Publications were found based on this search. However, the evidence from the literature, in combination with allele frequency data from public databases where available, was not sufficient to rule this variant in or out of causing disease. Therefore, this variant is classified as a variant of unknown significance.

Literature cited by the submitters: PubMed 24001356 (cited by Illumina Laboratory Services, Illumina).